The following is an entry in ClinVar:

ClinVar aggregate classification (germline): Uncertain significance (1 of 4 stars; one submission).

Conditions:
Polyglucosan body myopathy type 1 (PGBM1). Also called: Polyglucosan body myopathy 1 with or without immunodeficiency; POLYGLUCOSAN BODY MYOPATHY WITHOUT IMMUNODEFICIENCY. Identifiers: Orphanet 329173, Orphanet 397937, MedGen C4014605, MONDO:0014389, OMIM 615895.

Allele frequency attached by ClinVar (database versions not stated): gnomAD exomes below 0.00001 and 0.00001; TOPMed below 0.00001; gnomAD 0.00001.

Submission:

Labcorp Genetics (formerly Invitae), Labcorp
Classification: Uncertain significance for Polyglucosan body myopathy type 1. Last evaluated: 2019-11-12. Review status: criteria provided, single submitter. Criteria: Invitae Variant Classification Sherloc (09022015). Collection method: clinical testing. Allele origin: germline.
Comment: In summary, the available evidence is currently insufficient to determine the role of this variant in disease. Therefore, it has been classified as a Variant of Uncertain Significance. Algorithms developed to predict the effect of missense changes on protein structure and function are either unavailable or do not agree on the potential impact of this missense change (SIFT: "Deleterious"; PolyPhen-2: "Probably Damaging"; Align-GVGD: "Class C15"). This variant has not been reported in the literature in individuals with RBCK1-related conditions. This variant is not present in population databases (ExAC no frequency). This sequence change replaces aspartic acid with asparagine at codon 461 of the RBCK1 protein (p.Asp461Asn). The aspartic acid residue is highly conserved and there is a small physicochemical difference between aspartic acid and asparagine.

NM_031229.4(RBCK1):c.1381G>A (p.Asp461Asn)

Gene: RBCK1 (RANBP2-type and C3HC4-type zinc finger containing 1; plus strand). Cytogenetic location: 20p13.
Variant type: single nucleotide variant.
Coding change: c.1381G>A on transcript NM_031229.4 (MANE Select); coding-DNA position 1381, G replaced by A.
Protein change: p.Asp461Asn; replaces aspartic acid 461 with asparagine.
Molecular consequence: missense variant. On other transcripts: non-coding transcript variant (1).
Genome position (GRCh38, 1-based): chr20:429,023, G>A. VCF-style: chr20-429023-G-A. GRCh37 (hg19) VCF-style: chr20-409667-G-A.
Other names: c.871G>A, p.Asp291Asn (NM_001323956.2, NM_001323958.2); c.1255G>A, p.Asp419Asn (NM_006462.6); short protein forms D291N, D419N, D461N.
Identifiers: ClinVar variation 970423 (VCV000970423.7), dbSNP rs1201022654, ClinGen allele CA407938456.